The following is an entry in ClinVar:

ClinVar aggregate classification (germline): Likely pathogenic (1 of 4 stars; one submission).

Conditions:
Hereditary factor IX deficiency disease (HEMB). Also called: Christmas Disease; Hemophilia B; F9 DEFICIENCY; FACTOR IX DEFICIENCY; PLASMA THROMBOPLASTIN COMPONENT DEFICIENCY. Identifiers: Orphanet 98879, MedGen C0008533, MeSH D002836, MONDO:0010604, OMIM 306900.

Submission:

Myriad Genetics, Inc.
Classification: Likely pathogenic for Hereditary factor IX deficiency disease. Last evaluated: 2026-04-24. Review status: criteria provided, single submitter. Criteria: Myriad Autosomal Dominant, Autosomal Recessive and X-Linked Classification Criteria (2023). Collection method: clinical testing. Allele origin: unknown.
Comment: NM_000133.3(F9):c.1046G>T(G349V) is a missense variant classified as likely pathogenic in the context of hemophilia B. G349V has been observed in cases with relevant disease (PMID: 34106506, 8594556, 29296726). Relevant functional assessments of this variant are not available in the literature. G349V has not been observed in referenced population frequency databases. In summary, NM_000133.3(F9):c.1046G>T(G349V) is a missense variant in a gene where loss of function is a known mechanism of disease, is predicted to disrupt protein function, and has been observed more frequently in cases with the relevant disease than in healthy populations. Please note: this variant was assessed in the context of healthy population screening.

Literature cited by the submitters: PubMed 29296726; PubMed 34106506; PubMed 8594556.

NM_000133.4(F9):c.1046G>T (p.Gly349Val)

Gene: F9 (coagulation factor IX; plus strand). Cytogenetic location: Xq27.1.
Variant type: single nucleotide variant.
Coding change: c.1046G>T on transcript NM_000133.4 (MANE Select); coding-DNA position 1046, G replaced by T.
Protein change: p.Gly349Val; replaces glycine 349 with valine.
Molecular consequence: missense variant.
Genome position (GRCh38, 1-based): chrX:139,561,731, G>T. VCF-style: chrX-139561731-G-T. GRCh37 (hg19) VCF-style: chrX-138643890-G-T.
Other names: c.932G>T, p.Gly311Val (NM_001313913.2); short protein forms G311V, G349V.
Identifiers: ClinVar variation 5004549 (VCV005004549.1).